The following is an entry in ClinVar:

ClinVar aggregate classification (germline): Uncertain significance (1 of 4 stars; one submission).

gnomAD v4.1: 2 of 1,610,794 alleles (0.00012%); highest among the groups gnomAD compares: Admixed American, 0.0017%; no homozygotes.

Submission:

Labcorp Genetics (formerly Invitae), Labcorp
Classification: Uncertain significance. Last evaluated: 2026-01-08. Review status: criteria provided, single submitter. Criteria: Invitae Variant Classification Sherloc (09022015). Collection method: clinical testing. Allele origin: germline.
Comment: This sequence change replaces leucine, which is neutral and non-polar, with phenylalanine, which is neutral and non-polar, at codon 202 of the PPP3CA protein (p.Leu202Phe). This variant is present in population databases (no rsID available, gnomAD 0.003%). This missense change has been observed in individual(s) with clinical features of PPP3CA-related conditions (internal data). ClinVar contains an entry for this variant (Variation ID: 1345897). Invitae Evidence Modeling of protein sequence and biophysical properties (such as structural, functional, and spatial information, amino acid conservation, physicochemical variation, residue mobility, and thermodynamic stability) indicates that this missense variant is expected to disrupt PPP3CA protein function with a positive predictive value of 80%. In summary, the available evidence is currently insufficient to determine the role of this variant in disease. Therefore, it has been classified as a Variant of Uncertain Significance.

NM_000944.5(PPP3CA):c.606G>C (p.Leu202Phe)

Gene: PPP3CA (protein phosphatase 3 catalytic subunit alpha; minus strand). Cytogenetic location: 4q24.
Variant type: single nucleotide variant.
Coding change: c.606G>C on transcript NM_000944.5 (MANE Select); coding-DNA position 606, G replaced by C.
Protein change: p.Leu202Phe; replaces leucine 202 with phenylalanine.
Molecular consequence: missense variant.
Genome position (GRCh38, 1-based): chr4:101,098,403, C>G on the plus strand (G>C on the coding strand, the complement: PPP3CA is on the minus strand). VCF-style: chr4-101098403-C-G. GRCh37 (hg19) VCF-style: chr4-102019560-C-G.
Other names: c.606G>C, p.Leu202Phe (NM_001130691.2, NM_001130692.2); short protein forms L202F.
Identifiers: ClinVar variation 1345897 (VCV001345897.4), dbSNP rs1182750511, ClinGen allele CA357949859.